The following is an entry in ClinVar:

ClinVar aggregate classification (germline): Likely benign. Review status: criteria provided, multiple submitters, no conflicts (2 of 4 stars). 2 submissions from 2 submitters: Likely benign (2). Last evaluated 2025-04-01.

gnomAD v4.1: 27 of 1,607,592 alleles (0.0017%); highest among the groups gnomAD compares: East Asian, 0.0067%; no homozygotes.

Submissions (2):

CeGaT Center for Human Genetics Tuebingen
Classification: Likely benign. Last evaluated: 2025-04-01. Review status: criteria provided, single submitter. Criteria: CeGaT Center For Human Genetics Tuebingen Variant Classification Criteria Version 2. Collection method: clinical testing. Allele origin: germline. Affected: yes. Observed: 1 variant allele.
Comment: ATP2B2: BP4, BP7

Labcorp Genetics (formerly Invitae), Labcorp
Classification: Likely benign. Last evaluated: 2025-02-15. Review status: criteria provided, single submitter. Criteria: Invitae Variant Classification Sherloc (09022015). Collection method: clinical testing. Allele origin: germline.

NM_001001331.4(ATP2B2):c.1107C>T (p.Asp369=)

Gene: ATP2B2 (ATPase plasma membrane Ca2+ transporting 2; minus strand). Cytogenetic location: 3p25.3.
Variant type: single nucleotide variant.
Coding change: c.1107C>T on transcript NM_001001331.4 (MANE Select); coding-DNA position 1107, C replaced by T.
Protein change: p.Asp369=; no amino-acid change (aspartic acid 369 retained).
Molecular consequence: synonymous variant.
Genome position (GRCh38, 1-based): chr3:10,378,346, G>A on the plus strand (C>T on the coding strand, the complement: ATP2B2 is on the minus strand). VCF-style: chr3-10378346-G-A. GRCh37 (hg19) VCF-style: chr3-10420030-G-A.
Other names: c.972C>T, p.Asp324= (NM_001330611.3, NM_001353564.1, NM_001363862.1 and 1 more transcripts).
Identifiers: ClinVar variation 3898381 (VCV003898381.8).
Genomic context (GRCh38, chr3:10,378,346, plus strand): 5'-CTTGCCCTGCAGCACGGACTTCTCCTTCTTGTGCATGCTGGCCTTCTTCCTGTCGTCAGC[G>A]TCGCCGCCCTCGGCACTCTTGAGGGGCTGCATCTCCATGGCGGCTGCCCCGTCCTGTTGT-3'
Protein context (NP_001001331.1, residues 359-379): MQPLKSAEGG[Asp369=]ADDRKKASMH